The following is an entry in ClinVar:

NM_001378454.1(ALMS1):c.9376C>T (p.Gln3126Ter)

Gene: ALMS1 (ALMS1 centrosome and basal body associated protein; plus strand). Cytogenetic location: 2p13.1.
Variant type: single nucleotide variant.
Coding change: c.9376C>T on transcript NM_001378454.1 (MANE Select); coding-DNA position 9376, C replaced by T.
Protein change: p.Gln3126Ter; replaces glutamine 3126 with a stop codon.
Molecular consequence: nonsense.
Genome position (GRCh38, 1-based): chr2:73,491,335, C>T. VCF-style: chr2-73491335-C-T. GRCh37 (hg19) VCF-style: chr2-73718462-C-T.
Other names: c.9379C>T, p.Gln3127Ter (NM_015120.4); short protein forms Q3126*, Q3127*.
Identifiers: ClinVar variation 4530788 (VCV004530788.1).

ClinVar aggregate classification (germline): Likely pathogenic (1 of 4 stars; one submission).

Submission:

GeneDx
Classification: Likely pathogenic. Last evaluated: 2025-05-21. Review status: criteria provided, single submitter. Criteria: GeneDx Variant Classification Process June 2021. Collection method: clinical testing. Allele origin: germline. Affected: yes.
Comment: Reported with a second variant (phase unknown) in a patient with Alstrom syndrome in published literature (PMID: 33410256); Nonsense variant predicted to result in protein truncation or nonsense mediated decay in a gene for which loss of function is a known mechanism of disease; Not observed at significant frequency in large population cohorts (gnomAD); This variant is associated with the following publications: (PMID: 33565060, 25846608, 35211159, 33410256)